The following is an entry in ClinVar:

ClinVar aggregate classification (germline): Uncertain significance (1 of 4 stars; one submission).

Conditions:
Hereditary breast ovarian cancer syndrome. Also called: Breast and ovarian cancer; BRCA1- and BRCA2-Associated Hereditary Breast and Ovarian Cancer; Hereditary breast and ovarian cancer; Hereditary breast and/or ovarian cancer syndrome; Hereditary breast and ovarian cancer syndrome; Hereditary breast and ovarian cancer syndrome (HBOC). Identifiers: Orphanet 145, MedGen C0677776, MeSH D061325, MONDO:0003582. Disease mechanism: loss of function.

Submission:

Labcorp Genetics (formerly Invitae), Labcorp
Classification: Uncertain significance for Hereditary breast ovarian cancer syndrome. Last evaluated: 2024-04-22. Review status: criteria provided, single submitter. Criteria: Invitae Variant Classification Sherloc (09022015). Collection method: clinical testing. Allele origin: germline.
Comment: This sequence change replaces glutamic acid, which is acidic and polar, with valine, which is neutral and non-polar, at codon 2918 of the BRCA2 protein (p.Glu2918Val). This variant is not present in population databases (gnomAD no frequency). This variant has not been reported in the literature in individuals affected with BRCA2-related conditions. ClinVar contains an entry for this variant (Variation ID: 653619). An algorithm developed to predict the effect of missense changes on protein structure and function (PolyPhen-2) suggests that this variant is likely to be disruptive. Algorithms developed to predict the effect of sequence changes on RNA splicing suggest that this variant may disrupt the consensus splice site. In summary, the available evidence is currently insufficient to determine the role of this variant in disease. Therefore, it has been classified as a Variant of Uncertain Significance.

NM_000059.4(BRCA2):c.8753A>T (p.Glu2918Val)

Gene: BRCA2 (BRCA2 DNA repair associated; plus strand). Cytogenetic location: 13q13.1.
Variant type: single nucleotide variant.
Coding change: c.8753A>T on transcript NM_000059.4 (MANE Select); coding-DNA position 8753, A replaced by T.
Protein change: p.Glu2918Val; replaces glutamic acid 2918 with valine.
Molecular consequence: missense variant.
Genome position (GRCh38, 1-based): chr13:32,376,790, A>T. VCF-style: chr13-32376790-A-T. GRCh37 (hg19) VCF-style: chr13-32950927-A-T.
Other names: short protein forms E2918V.
Identifiers: ClinVar variation 653619 (VCV000653619.9), dbSNP rs1593935038, ClinGen allele CA387755099.